The following is an entry in ClinVar:

ClinVar aggregate classification (germline): Uncertain significance. Review status: criteria provided, multiple submitters, no conflicts (2 of 4 stars). 2 submissions from 2 submitters: Uncertain significance (2). Last evaluated 2025-12-21.

Conditions:
Cardiovascular phenotype. Identifiers: MedGen CN230736.
Congenital primary aphakia. Also called: Anterior segment dysgenesis 2, multiple subtypes; ANTERIOR SEGMENT DYSGENESIS 2. Identifiers: Orphanet 83461, MedGen C1853230, MONDO:0012456, OMIM 610256.
Anterior segment dysgenesis. Also called: Ocular anterior segment dysgenesis. Identifiers: Orphanet 88632, MedGen C1862839, MONDO:0019503, HP:0007700.

Allele frequency attached by ClinVar (database versions not stated): TOPMed 0.00002.

Submissions (2):

Labcorp Genetics (formerly Invitae), Labcorp
Classification: Uncertain significance for Anterior segment dysgenesis; Congenital primary aphakia. Last evaluated: 2025-12-21. Review status: criteria provided, single submitter. Criteria: Invitae Variant Classification Sherloc (09022015). Collection method: clinical testing. Allele origin: germline.
Comment: This sequence change replaces arginine, which is basic and polar, with proline, which is neutral and non-polar, at codon 113 of the FOXE3 protein (p.Arg113Pro). This variant is present in population databases (rs779654261, gnomAD 0.008%). This variant has not been reported in the literature in individuals affected with FOXE3-related conditions. ClinVar contains an entry for this variant (Variation ID: 941853). Invitae Evidence Modeling of protein sequence and biophysical properties (such as structural, functional, and spatial information, amino acid conservation, physicochemical variation, residue mobility, and thermodynamic stability) indicates that this missense variant is not expected to disrupt FOXE3 protein function with a negative predictive value of 95%. In summary, the available evidence is currently insufficient to determine the role of this variant in disease. Therefore, it has been classified as a Variant of Uncertain Significance.

Ambry Genetics
Classification: Uncertain significance for Cardiovascular phenotype. Last evaluated: 2023-08-02. Review status: criteria provided, single submitter. Criteria: Ambry Variant Classification Scheme 2023. Collection method: clinical testing. Allele origin: germline.

NM_012186.3(FOXE3):c.338G>C (p.Arg113Pro)

Genes: FOXE3 (forkhead box E3; plus strand), LINC01389 (long independently transcribed non-coding RNA 1389; minus strand). Cytogenetic location: 1p33.
Variant type: single nucleotide variant.
Coding change: c.338G>C on transcript NM_012186.3 (MANE Select); coding-DNA position 338, G replaced by C.
Protein change: p.Arg113Pro; replaces arginine 113 with proline.
Molecular consequence: missense variant.
Genome position (GRCh38, 1-based): chr1:47,416,653, G>C. VCF-style: chr1-47416653-G-C. GRCh37 (hg19) VCF-style: chr1-47882325-G-C.
Other names: short protein forms R113P.
Identifiers: ClinVar variation 941853 (VCV000941853.12), dbSNP rs779654261, ClinGen allele CA842943.